The following is an entry in ClinVar:

NM_000245.4(MET):c.1443G>A (p.Leu481=)

Gene: MET (MET proto-oncogene, receptor tyrosine kinase; plus strand). Cytogenetic location: 7q31.2.
Variant type: single nucleotide variant.
Coding change: c.1443G>A on transcript NM_000245.4 (MANE Select); coding-DNA position 1443, G replaced by A.
Protein change: p.Leu481=; no amino-acid change (leucine 481 retained).
Molecular consequence: synonymous variant.
Genome position (GRCh38, 1-based): chr7:116,740,000, G>A. VCF-style: chr7-116740000-G-A. GRCh37 (hg19) VCF-style: chr7-116380054-G-A.
Other names: c.1443G>A, p.Leu481= (NM_001127500.3, NM_001324401.3); c.153G>A, p.Leu51= (NM_001324402.2).
Identifiers: ClinVar variation 3715845 (VCV003715845.4).
Genomic context (GRCh38, chr7:116,740,000, plus strand): 5'-TGCTGTTTAGGTTGTGGTTTCTCGATCAGGACCATCAACCCCTCATGTGAATTTTCTCCT[G>A]GACTCCCATCCAGTGTCTCCAGAAGTGATTGTGGAGCATACATTAAACCAAAATGGCTAC-3'
Protein context (NP_000236.2, residues 471-491): GPSTPHVNFL[Leu481=]DSHPVSPEVI

ClinVar aggregate classification (germline): Conflicting classifications of pathogenicity. Review status: criteria provided, conflicting classifications (1 of 4 stars). 3 submissions from 3 submitters: Uncertain significance (2); Benign (1). Last evaluated 2025-12-05.

Conditions:
Renal cell carcinoma. Identifiers: Orphanet 217071, MedGen C0007134, MeSH D002292, MONDO:0005086, HP:0005584.
Papillary renal cell carcinoma type 1 (RCCP1). Also called: RENAL CELL CARCINOMA, PAPILLARY, 1, SOMATIC; Renal adenocarcinoma; Renal cell carcinoma 1; Renal cell carcinoma, somatic. Identifiers: Orphanet 47044, MedGen C1336839, OMIM 605074, HP:0011797.
Hereditary cancer-predisposing syndrome. Also called: Tumor predisposition; Hereditary Cancer Syndrome; Hereditary neoplastic syndrome; Neoplastic Syndromes, Hereditary. Identifiers: Orphanet 140162, MedGen C0027672, MeSH D009386, MONDO:0015356.

gnomAD v4.1: 3 of 1,614,082 alleles (0.00019%); highest among the groups gnomAD compares: Non-Finnish European, 0.00025%; no homozygotes.

Submissions (3):

Ambry Genetics
Classification: Uncertain significance for Hereditary cancer-predisposing syndrome. Last evaluated: 2025-12-05. Review status: criteria provided, single submitter. Criteria: Ambry Variant Classification Scheme 2023. Collection method: clinical testing. Allele origin: germline.
Comment: The c.1443G>A variant (also known as p.L481L), located in coding exon 3 of the MET gene, results from a G to A substitution at nucleotide position 1443. This nucleotide substitution does not change the amino acid at codon 481. This nucleotide position is highly conserved in available vertebrate species. In silico splice site analysis predicts that this alteration will result in the creation or strengthening of a novel splice acceptor site. Based on the available evidence, the clinical significance of this variant remains unclear.

Myriad Genetics, Inc.
Classification: Benign for Papillary renal cell carcinoma type 1. Last evaluated: 2024-11-07. Review status: criteria provided, single submitter. Criteria: Myriad Autosomal Dominant, Autosomal Recessive and X-Linked Classification Criteria (2023). Collection method: clinical testing. Allele origin: unknown.
Comment: This variant is considered benign. This variant is a silent/synonymous amino acid change and it is not expected to impact splicing.

Labcorp Genetics (formerly Invitae), Labcorp
Classification: Uncertain significance for Renal cell carcinoma. Last evaluated: 2024-08-31. Review status: criteria provided, single submitter. Criteria: Invitae Variant Classification Sherloc (09022015). Collection method: clinical testing. Allele origin: germline.
Comment: This sequence change affects codon 481 of the MET mRNA. It is a 'silent' change, meaning that it does not change the encoded amino acid sequence of the MET protein. This variant is not present in population databases (gnomAD no frequency). This variant has not been reported in the literature in individuals affected with MET-related conditions. Algorithms developed to predict the effect of sequence changes on RNA splicing suggest that this variant may create or strengthen a splice site. In summary, the available evidence is currently insufficient to determine the role of this variant in disease. Therefore, it has been classified as a Variant of Uncertain Significance.